The following is an entry in ClinVar:

ClinVar aggregate classification (germline): Uncertain significance (1 of 4 stars; one submission).

Conditions:
Familial cold autoinflammatory syndrome 2 (FCAS2). Identifiers: Orphanet 247868, MedGen C2673198, MONDO:0012724, OMIM 611762.

Submission:

Labcorp Genetics (formerly Invitae), Labcorp
Classification: Uncertain significance for Familial cold autoinflammatory syndrome 2. Last evaluated: 2022-10-02. Review status: criteria provided, single submitter. Criteria: Invitae Variant Classification Sherloc (09022015). Collection method: clinical testing. Allele origin: germline.
Comment: In summary, the available evidence is currently insufficient to determine the role of this variant in disease. Therefore, it has been classified as a Variant of Uncertain Significance. Algorithms developed to predict the effect of sequence changes on RNA splicing suggest that this variant may create or strengthen a splice site. Algorithms developed to predict the effect of missense changes on protein structure and function output the following: SIFT: "Tolerated"; PolyPhen-2: "Benign"; Align-GVGD: "Class C0". The valine amino acid residue is found in multiple mammalian species, which suggests that this missense change does not adversely affect protein function. ClinVar contains an entry for this variant (Variation ID: 942983). This variant has not been reported in the literature in individuals affected with NLRP12-related conditions. This variant is not present in population databases (gnomAD no frequency). This sequence change replaces isoleucine, which is neutral and non-polar, with valine, which is neutral and non-polar, at codon 716 of the NLRP12 protein (p.Ile716Val).

NM_144687.4(NLRP12):c.2146A>G (p.Ile716Val)

Gene: NLRP12 (NLR family pyrin domain containing 12; minus strand). Cytogenetic location: 19q13.42.
Variant type: single nucleotide variant.
Coding change: c.2146A>G on transcript NM_144687.4 (MANE Select); coding-DNA position 2146, A replaced by G.
Protein change: p.Ile716Val; replaces isoleucine 716 with valine.
Molecular consequence: missense variant.
Genome position (GRCh38, 1-based): chr19:53,807,592, T>C on the plus strand (A>G on the coding strand, the complement: NLRP12 is on the minus strand). VCF-style: chr19-53807592-T-C. GRCh37 (hg19) VCF-style: chr19-54310846-T-C.
Other names: c.2149A>G, p.Ile717Val (NM_001277126.2); c.2146A>G, p.Ile716Val (NM_001277129.1); short protein forms I717V, I716V.
Identifiers: ClinVar variation 942983 (VCV000942983.9), dbSNP rs2091981992, ClinGen allele CA407411322.